The following is an entry in ClinVar:

ClinVar aggregate classification (germline): Benign/Likely benign. Review status: criteria provided, multiple submitters, no conflicts (2 of 4 stars). 8 submissions from 8 submitters: Benign (5); Likely benign (1). 2 of the submissions do not count toward it. Last evaluated 2026-02-04.

Conditions:
Fraser syndrome 1 (FRASRS1). Also called: CRYPTOPHTHALMOS WITH OTHER MALFORMATIONS. Identifiers: Orphanet 2052, MedGen C4551480, MONDO:0054737, OMIM 219000.

Allele frequency attached by ClinVar (database versions not stated): 1000 Genomes Project 30x 0.01109; ESP Exome Variant Server 0.01822; gnomAD exomes 0.01828 and 0.02030; ExAC 0.01871; gnomAD 0.01872 and 0.01892; TOPMed 0.01878; 1000 Genomes Project 0.01098.
gnomAD v4.1: 32,457 of 1,605,972 alleles (2%); highest among the groups gnomAD compares: Middle Eastern, 3%; 375 homozygotes.

Submissions (8):

Labcorp Genetics (formerly Invitae), Labcorp
Classification: Benign. Last evaluated: 2026-02-04. Review status: criteria provided, single submitter. Criteria: Invitae Variant Classification Sherloc (09022015). Collection method: clinical testing. Allele origin: germline.

CeGaT Center for Human Genetics Tuebingen
Classification: Benign. Last evaluated: 2025-09-01. Review status: criteria provided, single submitter. Criteria: CeGaT Center For Human Genetics Tuebingen Variant Classification Criteria Version 2. Collection method: clinical testing. Allele origin: germline. Affected: yes. Observed: 3 variant alleles.
Comment: FRAS1: BP4, BS1, BS2

Blueprint Genetics
Classification: Likely benign. Last evaluated: 2024-11-26. Review status: criteria provided, single submitter. Criteria: ACMG Guidelines, 2015. Collection method: clinical testing. Allele origin: germline.

Mayo Clinic Laboratories, Mayo Clinic
Classification: Benign. Last evaluated: 2023-02-14. Review status: criteria provided, single submitter. Criteria: ACMG Guidelines, 2015. Collection method: clinical testing. Allele origin: germline. Observed: 8 variant alleles.
Comment: BS1, BS2, BP4

Illumina Laboratory Services, Illumina
Classification: Benign for Fraser syndrome 1. Last evaluated: 2018-01-13. Review status: criteria provided, single submitter. Criteria: ICSL Variant Classification Criteria 13 December 2019. Collection method: clinical testing. Allele origin: germline.
Comment: This variant was observed in the ICSL laboratory as part of a predisposition screen in an ostensibly healthy population. It had not been previously curated by ICSL or reported in the Human Gene Mutation Database (HGMD: prior to June 1st, 2018), and was therefore a candidate for classification through an automated scoring system. Utilizing variant allele frequency, disease prevalence and penetrance estimates, and inheritance mode, an automated score was calculated to assess if this variant is too frequent to cause the disease. Based on the score and internal cut-off values, a variant classified as benign is not then subjected to further curation. The score for this variant resulted in a classification of benign for this disease.

Breakthrough Genomics
Classification: Benign. Review status: criteria provided, single submitter. Criteria: ACMG Guidelines, 2015. Collection method: not provided. Allele origin: germline. Inheritance: Autosomal recessive inheritance. Affected: yes.

Diagnostic Laboratory, Department of Genetics, University Medical Center Groningen
Classification: Benign for Fraser syndrome 1. Review status: no assertion criteria provided. Collection method: clinical testing. Allele origin: germline. Affected: yes. Study: VKGL Data-share Consensus. Not counted in ClinVar's aggregate classification.

Genome Diagnostics Laboratory, University Medical Center Utrecht
Classification: Benign. Review status: no assertion criteria provided. Collection method: clinical testing. Allele origin: germline. Affected: yes. Study: VKGL Data-share Consensus. Not counted in ClinVar's aggregate classification.

NM_025074.7(FRAS1):c.3068G>A (p.Gly1023Glu)

Gene: FRAS1 (Fraser extracellular matrix complex subunit 1; plus strand). Cytogenetic location: 4q21.21.
Variant type: single nucleotide variant.
Coding change: c.3068G>A on transcript NM_025074.7 (MANE Select); coding-DNA position 3068, G replaced by A.
Protein change: p.Gly1023Glu; replaces glycine 1023 with glutamic acid.
Molecular consequence: missense variant.
Genome position (GRCh38, 1-based): chr4:78,374,168, G>A. VCF-style: chr4-78374168-G-A. GRCh37 (hg19) VCF-style: chr4-79295322-G-A.
Other names: p.Gly1023Glu; c.3068G>A, p.Gly1023Glu (NM_001166133.2); short protein forms G1023E.
Identifiers: ClinVar variation 349702 (VCV000349702.23), dbSNP rs17459809, ClinGen allele CA2976818.
Genomic context (GRCh38, chr4:78,374,168, plus strand): 5'-CAGACTGTGACAGCTACTGTCTCCAGTGCCAAGGTCCCCATGAGTGTACCCGCTGCAAAG[G>A]GCCATTTCTCCTCTTGGAAGCCCAGTGTGTCCAGGAATGTGGGAAGGGGTACTTTGCAGA-3'
Protein context (NP_079350.5, residues 1013-1033): QGPHECTRCK[Gly1023Glu]PFLLLEAQCV